The following is an entry in ClinVar:

NM_152383.5(DIS3L2):c.2617dup (p.Glu873fs)

Gene: DIS3L2 (DIS3 like 3'-5' exoribonuclease 2; plus strand). Cytogenetic location: 2q37.1.
Variant type: Duplication.
Coding change: c.2617dup on transcript NM_152383.5 (MANE Select); coding-DNA position 2617, one base duplicated (G; older notation c.2617dupG).
Protein change: p.Glu873fs; shifts the reading frame from glutamic acid 873.
Molecular consequence: frameshift variant. On other transcripts: non-coding transcript variant (2), intron variant (1).
Genome position (GRCh38, 1-based): chr2:232,336,589, G duplicated; the last of 2 consecutive G bases (chr2:232,336,588-232,336,589); duplicating either gives the same sequence. VCF-style (leftmost placement, unchanged base first): chr2-232336587-A-AG. GRCh37 (hg19) VCF-style: chr2-233201297-A-AG.
Other names: c.1582-6756dup (NM_001257281.2); short protein forms E873fs.
Identifiers: ClinVar variation 1393704 (VCV001393704.8), dbSNP rs2106357442, ClinGen allele CA2573135579.

ClinVar aggregate classification (germline): Uncertain significance (1 of 4 stars; one submission).

Conditions:
Perlman syndrome (PRLMNS). Identifiers: Orphanet 2849, MedGen C0796113, MONDO:0009965, OMIM 267000.

Submission:

Labcorp Genetics (formerly Invitae), Labcorp
Classification: Uncertain significance for Perlman syndrome. Last evaluated: 2022-10-18. Review status: criteria provided, single submitter. Criteria: Invitae Variant Classification Sherloc (09022015). Collection method: clinical testing. Allele origin: germline.
Comment: In summary, the available evidence is currently insufficient to determine the role of this variant in disease. Therefore, it has been classified as a Variant of Uncertain Significance. ClinVar contains an entry for this variant (Variation ID: 1393704). This variant has not been reported in the literature in individuals affected with DIS3L2-related conditions. This variant is not present in population databases (gnomAD no frequency). This sequence change creates a premature translational stop signal (p.Glu873Glyfs*4) in the DIS3L2 gene. While this is not anticipated to result in nonsense mediated decay, it is expected to disrupt the last 13 amino acid(s) of the DIS3L2 protein.